The following is an entry in ClinVar:

ClinVar aggregate classification (germline): Uncertain significance. Review status: criteria provided, multiple submitters, no conflicts (2 of 4 stars). 2 submissions from 2 submitters: Uncertain significance (2). Last evaluated 2024-12-11.

Conditions:
Hoyeraal-Hreidarsson syndrome (HHS). Also called: CEREBELLAR HYPOPLASIA WITH PANCYTOPENIA. Identifiers: Orphanet 3322, MedGen C1846142, MONDO:0018045.
Autosomal recessive dyskeratosis congenita. Identifiers: MedGen C3502105.

Allele frequency attached by ClinVar (database versions not stated): ExAC 0.00001; gnomAD exomes 0.00001.
gnomAD v4.1: 12 of 1,614,172 alleles (0.00074%); highest among the groups gnomAD compares: Non-Finnish European, 0.00093%; no homozygotes.

Submissions (2):

Ambry Genetics
Classification: Uncertain significance. Last evaluated: 2024-12-11. Review status: criteria provided, single submitter. Criteria: Ambry Variant Classification Scheme 2023. Collection method: clinical testing. Allele origin: germline.

Labcorp Genetics (formerly Invitae), Labcorp
Classification: Uncertain significance for Hoyeraal-Hreidarsson syndrome; Autosomal recessive dyskeratosis congenita. Last evaluated: 2018-04-12. Review status: criteria provided, single submitter. Criteria: Invitae Variant Classification Sherloc (09022015). Collection method: clinical testing. Allele origin: germline.
Comment: This variant has not been reported in the literature in individuals with DCLRE1B-related disease. This sequence change replaces arginine with tryptophan at codon 46 of the DCLRE1B protein (p.Arg46Trp). The arginine residue is highly conserved and there is a moderate physicochemical difference between arginine and tryptophan. This variant is present in population databases (rs774397708, ExAC 0.001%). Algorithms developed to predict the effect of missense changes on protein structure and function do not agree on the potential impact of this missense change (SIFT: "Deleterious"; PolyPhen-2: "Probably Damaging"; Align-GVGD: "Class C15"). In summary, the available evidence is currently insufficient to determine the role of this variant in disease. Therefore, it has been classified as a Variant of Uncertain Significance.

NM_022836.4(DCLRE1B):c.136C>T (p.Arg46Trp)

Gene: DCLRE1B (DNA cross-link repair 1B; plus strand). Cytogenetic location: 1p13.2.
Variant type: single nucleotide variant.
Coding change: c.136C>T on transcript NM_022836.4 (MANE Select); coding-DNA position 136, C replaced by T.
Protein change: p.Arg46Trp; replaces arginine 46 with tryptophan.
Molecular consequence: missense variant. On other transcripts: 5 prime UTR variant (3).
Genome position (GRCh38, 1-based): chr1:113,905,722, C>T. VCF-style: chr1-113905722-C-T. GRCh37 (hg19) VCF-style: chr1-114448344-C-T.
Other names: c.136C>T, p.Arg46Trp (LRG_1219t1, NM_001363690.2); c.-77C>T (NM_001319946.2, NM_001319947.2, NM_001363691.2); short protein forms R46W.
Identifiers: ClinVar variation 581038 (VCV000581038.9), dbSNP rs774397708, ClinGen allele CA1016275.